The following is an entry in ClinVar:

ClinVar aggregate classification (germline): Uncertain significance. Review status: criteria provided, single submitter (1 of 4 stars). 2 submissions from 2 submitters: Uncertain significance (1). 1 of the submissions does not count toward it. Last evaluated 2022-08-25.

Conditions:
Multiple gastrointestinal atresias. Also called: Multiple intestinal atresia; FAMILIAL INTESTINAL POLYATRESIA SYNDROME. Identifiers: Orphanet 2300, MedGen C0220744, MONDO:0009465.
TTC7A-related disorder. Also called: TTC7A-related condition.

Allele frequency attached by ClinVar (database versions not stated): 1000 Genomes Project 0.00020; 1000 Genomes Project 30x 0.00031; TOPMed 0.00042; gnomAD 0.00044; gnomAD exomes 0.00064 and 0.00086; ESP Exome Variant Server 0.00069; ExAC 0.00075.
gnomAD v4.1: 1,308 of 1,613,974 alleles (0.081%); highest among the groups gnomAD compares: South Asian, 0.14%; 2 homozygotes.

Submissions (2):

Labcorp Genetics (formerly Invitae), Labcorp
Classification: Uncertain significance for Multiple gastrointestinal atresias. Last evaluated: 2022-08-25. Review status: criteria provided, single submitter. Criteria: Invitae Variant Classification Sherloc (09022015). Collection method: clinical testing. Allele origin: germline.
Comment: This sequence change falls in intron 3 of the TTC7A gene. It does not directly change the encoded amino acid sequence of the TTC7A protein. It affects a nucleotide within the consensus splice site. This variant is present in population databases (rs201376278, gnomAD 0.1%), and has an allele count higher than expected for a pathogenic variant. This variant has not been reported in the literature in individuals affected with TTC7A-related conditions. ClinVar contains an entry for this variant (Variation ID: 651674). Variants that disrupt the consensus splice site are a relatively common cause of aberrant splicing (PMID: 17576681, 9536098). Algorithms developed to predict the effect of sequence changes on RNA splicing suggest that this variant is not likely to affect RNA splicing. In summary, the available evidence is currently insufficient to determine the role of this variant in disease. Therefore, it has been classified as a Variant of Uncertain Significance.

PreventionGenetics, part of Exact Sciences
Classification: Likely benign for TTC7A-related condition. Last evaluated: 2024-02-01. Review status: no assertion criteria provided. Collection method: clinical testing. Allele origin: germline. Not counted in ClinVar's aggregate classification.
Comment: This variant is classified as likely benign based on ACMG/AMP sequence variant interpretation guidelines (Richards et al. 2015 PMID: 25741868, with internal and published modifications).

Literature cited by the submitters: PubMed 17576681 (cited by Labcorp Genetics (formerly Invitae), Labcorp); PubMed 9536098 (cited by Labcorp Genetics (formerly Invitae), Labcorp).

NM_020458.4(TTC7A):c.517+3A>G

Gene: TTC7A (tetratricopeptide repeat domain 7A; plus strand). Cytogenetic location: 2p21.
Variant type: single nucleotide variant.
Coding change: c.517+3A>G on transcript NM_020458.4 (MANE Select); 3 bases into the intron after coding-DNA position 517, A replaced by G.
Molecular consequence: intron variant.
Genome position (GRCh38, 1-based): chr2:46,957,010, A>G. VCF-style: chr2-46957010-A-G. GRCh37 (hg19) VCF-style: chr2-47184149-A-G.
Other names: c.517+3A>G (LRG_1323t1, NM_001288951.2); c.415+3A>G (NM_001288953.2); c.-388+3A>G (NM_001288955.2).
Identifiers: ClinVar variation 651674 (VCV000651674.8), dbSNP rs201376278, ClinGen allele CA1647183.